The following is an entry in ClinVar:

ClinVar aggregate classification (germline): Uncertain significance (1 of 4 stars; one submission).

Conditions:
Paramyotonia congenita of Von Eulenburg. Also called: Paramyotonia Congenita; Eulenburg disease; Myotonia congenita intermittens; PARALYSIS PERIODICA PARAMYOTONICA; Von Eulenburg paramyotonia congenita. Identifiers: Orphanet 684, MedGen C0221055, MONDO:0008195, OMIM 168300. Disease mechanism: loss of function.
Congenital myopathy 22A, classic (CMYO22A). Identifiers: MedGen C5830453, MONDO:0957247, OMIM 620351.
Hypokalemic periodic paralysis, type 2 (HOKPP2). Identifiers: Orphanet 681, MedGen C2750061, MONDO:0013234, OMIM 613345.
Congenital myopathy 22B, severe fetal (CMYO22B). Identifiers: MedGen C5830501, MONDO:0957265, OMIM 620369.
Hyperkalemic periodic paralysis. Also called: Familial hyperkalemic periodic paralysis; Gamstorp disease. Identifiers: Orphanet 682, MedGen C0238357, MONDO:0008224, OMIM 170500, HP:0007215.
Potassium-aggravated myotonia. Also called: Myotonia congenita, atypical, acetazolamide-responsive; MYOTONIA CONGENITA, ACETAZOLAMIDE-RESPONSIVE; MYOTONIA CONGENITA, ATYPICAL; SODIUM CHANNEL MUSCLE DISEASE. Identifiers: Orphanet 612, Orphanet 99734, Orphanet 99735, Orphanet 99736, MedGen C2931826, MONDO:0018959, OMIM 608390.
Congenital myasthenic syndrome 16. Identifiers: Orphanet 590, MedGen C3280112, MONDO:0013620, OMIM 614198.

Submission:

Juno Genomics, Hangzhou Juno Genomics, Inc
Classification: Uncertain significance for Congenital myopathy 22A, classic; Congenital myopathy 22B, severe fetal; Hyperkalemic periodic paralysis; Hypokalemic periodic paralysis, type 2; Congenital myasthenic syndrome 16; Potassium-aggravated myotonia; Paramyotonia congenita of Von Eulenburg. Review status: criteria provided, single submitter. Criteria: ACMG Guidelines, 2015. Collection method: clinical testing. Allele origin: germline.
Comment: Absent from controls (or at extremely low frequency if recessive) in Genome Aggregation Database.;Multiple lines of computational evidence support a deleterious effect on the gene or gene product.

NM_000334.4(SCN4A):c.1378G>C (p.Glu460Gln)

Gene: SCN4A (sodium voltage-gated channel alpha subunit 4; minus strand). Cytogenetic location: 17q23.3.
Variant type: single nucleotide variant.
Coding change: c.1378G>C on transcript NM_000334.4 (MANE Select); coding-DNA position 1378, G replaced by C.
Protein change: p.Glu460Gln; replaces glutamic acid 460 with glutamine.
Molecular consequence: missense variant.
Genome position (GRCh38, 1-based): chr17:63,964,542, C>G on the plus strand (G>C on the coding strand, the complement: SCN4A is on the minus strand). VCF-style: chr17-63964542-C-G. GRCh37 (hg19) VCF-style: chr17-62041902-C-G.
Other names: short protein forms E460Q.
Identifiers: ClinVar variation 5005793 (VCV005005793.2).